The following is an entry in ClinVar:

ClinVar aggregate classification (germline): Uncertain significance. Review status: criteria provided, multiple submitters, no conflicts (2 of 4 stars). 2 submissions from 2 submitters: Uncertain significance (2). Last evaluated 2025-03-18.

Allele frequency attached by ClinVar (database versions not stated): ExAC 0.00001; gnomAD 0.00002; gnomAD exomes 0.00002 and 0.00005; TOPMed 0.00002; ESP Exome Variant Server 0.00008.
gnomAD v4.1: 76 of 1,613,144 alleles (0.0047%); highest among the groups gnomAD compares: Non-Finnish European, 0.0059%; no homozygotes.

Submissions (2):

Women's Health and Genetics/Laboratory Corporation of America, LabCorp
Classification: Uncertain significance. Last evaluated: 2025-03-18. Review status: criteria provided, single submitter. Criteria: LabCorp Variant Classification Summary - May 2015. Collection method: clinical testing. Allele origin: germline.
Comment: Variant summary: ATAD3A c.282+5G>A alters a non-conserved nucleotide located close to a canonical splice site and therefore could affect mRNA splicing, leading to a significantly altered protein sequence. Several computational tools predict a significant impact on normal splicing: Three predict the variant weakens a 5' donor site. One predict the variant abolishes a 5' splicing donor site. One predict the variant strengthens a cryptic 5' donor site. However, these predictions have yet to be confirmed by functional studies. The variant allele was found at a frequency of 2e-05 in 249422 control chromosomes. The available data on variant occurrences in the general population are insufficient to allow any conclusion about variant significance. To our knowledge, no occurrence of c.282+5G>A in individuals affected with Harel-Yoon syndrome-AD and no experimental evidence demonstrating its impact on protein function have been reported. ClinVar contains an entry for this variant (Variation ID: 1329835). Based on the evidence outlined above, the variant was classified as uncertain significance.

GeneDx
Classification: Uncertain significance. Last evaluated: 2021-06-24. Review status: criteria provided, single submitter. Criteria: GeneDx Variant Classification Process June 2021. Collection method: clinical testing. Allele origin: germline. Affected: yes.
Comment: In silico analysis supports a deleterious effect on splicing; Has not been previously published as pathogenic or benign to our knowledge; This variant is associated with the following publications: (PMID: 27535533)

NM_001170535.3(ATAD3A):c.282+5G>A

Gene: ATAD3A (ATPase family AAA domain containing 3A; plus strand). Cytogenetic location: 1p36.33.
Variant type: single nucleotide variant.
Coding change: c.282+5G>A on transcript NM_001170535.3 (MANE Select); 5 bases into the intron after coding-DNA position 282, G replaced by A.
Molecular consequence: intron variant.
Genome position (GRCh38, 1-based): chr1:1,516,093, G>A. VCF-style: chr1-1516093-G-A. GRCh37 (hg19) VCF-style: chr1-1451473-G-A.
Other names: c.282+5G>A (NM_018188.5); c.45+5G>A (NM_001170536.3).
Identifiers: ClinVar variation 1329835 (VCV001329835.3), dbSNP rs368391530, ClinGen allele CA525650.